The following is an entry in ClinVar:

NM_003680.4(YARS1):c.1549A>G (p.Ile517Val)

Gene: YARS1 (tyrosyl-tRNA synthetase 1; minus strand). Cytogenetic location: 1p35.1.
Variant type: single nucleotide variant.
Coding change: c.1549A>G on transcript NM_003680.4 (MANE Select); coding-DNA position 1549, A replaced by G.
Protein change: p.Ile517Val; replaces isoleucine 517 with valine.
Molecular consequence: missense variant.
Genome position (GRCh38, 1-based): chr1:32,776,019, T>C on the plus strand (A>G on the coding strand, the complement: YARS1 is on the minus strand). VCF-style: chr1-32776019-T-C. GRCh37 (hg19) VCF-style: chr1-33241620-T-C.
Other names: short protein forms I517V.
Identifiers: ClinVar variation 533461 (VCV000533461.10), dbSNP rs371220818, ClinGen allele CA744862.

ClinVar aggregate classification (germline): Conflicting classifications of pathogenicity. Review status: criteria provided, conflicting classifications (1 of 4 stars). 2 submissions from 2 submitters: Uncertain significance (1); Likely benign (1). Last evaluated 2025-08-14.

Conditions:
Inborn genetic diseases. Identifiers: MedGen C0950123, MeSH D030342.
Charcot-Marie-Tooth disease dominant intermediate C (CMTDIC). Also called: CHARCOT-MARIE-TOOTH NEUROPATHY, DOMINANT INTERMEDIATE C. Identifiers: Orphanet 100045, MedGen C1842237, MONDO:0012012, OMIM 608323.

Allele frequency attached by ClinVar (database versions not stated): gnomAD 0.00001 and 0.00003; ExAC 0.00002; gnomAD exomes 0.00003; TOPMed 0.00003; ESP Exome Variant Server 0.00008.
gnomAD v4.1: 25 of 1,613,986 alleles (0.0015%); highest among the groups gnomAD compares: Middle Eastern, 0.016%; no homozygotes.

Submissions (2):

Ambry Genetics
Classification: Likely benign for Inborn genetic diseases. Last evaluated: 2025-08-14. Review status: criteria provided, single submitter. Criteria: Ambry Variant Classification Scheme 2023. Collection method: clinical testing. Allele origin: germline.

Labcorp Genetics (formerly Invitae), Labcorp
Classification: Uncertain significance for Charcot-Marie-Tooth disease dominant intermediate C. Last evaluated: 2024-12-11. Review status: criteria provided, single submitter. Criteria: Invitae Variant Classification Sherloc (09022015). Collection method: clinical testing. Allele origin: germline.
Comment: This sequence change replaces isoleucine, which is neutral and non-polar, with valine, which is neutral and non-polar, at codon 517 of the YARS protein (p.Ile517Val). This variant is present in population databases (rs371220818, gnomAD 0.006%). This variant has not been reported in the literature in individuals affected with YARS-related conditions. ClinVar contains an entry for this variant (Variation ID: 533461). Invitae Evidence Modeling of protein sequence and biophysical properties (such as structural, functional, and spatial information, amino acid conservation, physicochemical variation, residue mobility, and thermodynamic stability) indicates that this missense variant is not expected to disrupt YARS protein function with a negative predictive value of 80%. In summary, the available evidence is currently insufficient to determine the role of this variant in disease. Therefore, it has been classified as a Variant of Uncertain Significance.